The following is an entry in ClinVar:

NM_181507.2(HPS5):c.1123C>T (p.Arg375Cys)

Gene: HPS5 (HPS5 biogenesis of lysosomal organelles complex 2 subunit 2; minus strand). Cytogenetic location: 11p15.1.
Variant type: single nucleotide variant.
Coding change: c.1123C>T on transcript NM_181507.2 (MANE Select); coding-DNA position 1123, C replaced by T.
Protein change: p.Arg375Cys; replaces arginine 375 with cysteine.
Molecular consequence: missense variant.
Genome position (GRCh38, 1-based): chr11:18,298,833, G>A on the plus strand (C>T on the coding strand, the complement: HPS5 is on the minus strand). VCF-style: chr11-18298833-G-A. GRCh37 (hg19) VCF-style: chr11-18320380-G-A.
Other names: c.781C>T, p.Arg261Cys (NM_007216.4, NM_181508.2); short protein forms R375C, R261C.
Identifiers: ClinVar variation 1388552 (VCV001388552.6), dbSNP rs761598432, ClinGen allele CA5910223.

ClinVar aggregate classification (germline): Uncertain significance (1 of 4 stars; one submission).

Allele frequency attached by ClinVar (database versions not stated): ExAC 0.00008; TOPMed 0.00011; gnomAD exomes 0.00012; gnomAD 0.00013 and 0.00014.
gnomAD v4.1: 155 of 1,614,150 alleles (0.0096%); highest among the groups gnomAD compares: Non-Finnish European, 0.012%; no homozygotes.

Submission:

Labcorp Genetics (formerly Invitae), Labcorp
Classification: Uncertain significance. Last evaluated: 2024-01-22. Review status: criteria provided, single submitter. Criteria: Invitae Variant Classification Sherloc (09022015). Collection method: clinical testing. Allele origin: germline.
Comment: This sequence change replaces arginine, which is basic and polar, with cysteine, which is neutral and slightly polar, at codon 375 of the HPS5 protein (p.Arg375Cys). This variant is present in population databases (rs761598432, gnomAD 0.02%). This variant has not been reported in the literature in individuals affected with HPS5-related conditions. ClinVar contains an entry for this variant (Variation ID: 1388552). Algorithms developed to predict the effect of missense changes on protein structure and function output the following: SIFT: "Not Available"; PolyPhen-2: "Benign"; Align-GVGD: "Not Available". The cysteine amino acid residue is found in multiple mammalian species, which suggests that this missense change does not adversely affect protein function. In summary, the available evidence is currently insufficient to determine the role of this variant in disease. Therefore, it has been classified as a Variant of Uncertain Significance.